The following is an entry in ClinVar:

NM_000154.2(GALK1):c.1067T>C (p.Leu356Pro)

Gene: GALK1 (galactokinase 1; minus strand). Cytogenetic location: 17q25.1.
Variant type: single nucleotide variant.
Coding change: c.1067T>C on transcript NM_000154.2 (MANE Select); coding-DNA position 1067, T replaced by C.
Protein change: p.Leu356Pro; replaces leucine 356 with proline.
Molecular consequence: missense variant.
Genome position (GRCh38, 1-based): chr17:75,758,250, A>G on the plus strand (T>C on the coding strand, the complement: GALK1 is on the minus strand). VCF-style: chr17-75758250-A-G. GRCh37 (hg19) VCF-style: chr17-73754331-A-G.
Other names: c.1067T>C, p.Leu356Pro (NM_001381985.1); short protein forms L356P.
Identifiers: ClinVar variation 3339547 (VCV003339547.2).

ClinVar aggregate classification (germline): Pathogenic. Review status: criteria provided, multiple submitters, no conflicts (2 of 4 stars). 2 submissions from 2 submitters: Pathogenic (2). Last evaluated 2024-06-14.

Conditions:
Deficiency of galactokinase. Also called: Galactokinase deficiency with cataracts; GALACTOSEMIA II. Identifiers: Orphanet 352, Orphanet 79237, MedGen C0268155, MONDO:0009255, OMIM 230200.

Submissions (2):

Fulgent Genetics
Classification: Pathogenic for Deficiency of galactokinase. Last evaluated: 2024-06-14. Review status: criteria provided, single submitter. Criteria: ACMG Guidelines, 2015. Collection method: clinical testing. Allele origin: germline.

Women's Health and Genetics/Laboratory Corporation of America, LabCorp
Classification: Pathogenic for Deficiency of galactokinase. Last evaluated: 2024-06-13. Review status: criteria provided, single submitter. Criteria: LabCorp Variant Classification Summary - May 2015. Collection method: clinical testing. Allele origin: germline.
Comment: Variant summary: GALK1 c.1067T>C (p.Leu356Pro) results in a non-conservative amino acid change located in the GHMP kinase, C-terminal domain (IPR013750) of the encoded protein sequence. Five of five in-silico tools predict a damaging effect of the variant on protein function. The frequency data for this variant in gnomAD is considered unreliable, as metrics indicate poor data quality at this position. c.1067T>C has been reported in the literature in the homozygous state in multiple related individuals affected with autosomal recessive congenital cataracts (example, Chen_2017), including at least 1 family where it segregated with disease. These data indicate that the variant is very likely to be associated with disease. To our knowledge, no experimental evidence demonstrating an impact on protein function has been reported. The following publication has been ascertained in the context of this evaluation (PMID: 28418495). No submitters have cited clinical-significance assessments for this variant to ClinVar. Based on the evidence outlined above, the variant was classified as pathogenic.

Literature cited by the submitters: PubMed 28418495 (cited by Women's Health and Genetics/Laboratory Corporation of America, LabCorp).